The following is an entry in ClinVar:

ClinVar aggregate classification (germline): Uncertain significance. Review status: criteria provided, multiple submitters, no conflicts (2 of 4 stars). 3 submissions from 3 submitters: Uncertain significance (3). Last evaluated 2024-10-24.

Conditions:
Inborn genetic diseases. Identifiers: MedGen C0950123, MeSH D030342.
Autosomal recessive osteopetrosis 1. Also called: ALBERS-SCHONBERG DISEASE, AUTOSOMAL RECESSIVE; TCIRG1-Related Osteopetrosis; TCIRG1-Related Autosomal Recessive Osteopetrosis. Identifiers: Orphanet 667, MedGen C1850127, MONDO:0009815, OMIM 259700.

Allele frequency attached by ClinVar (database versions not stated): ExAC 0.00008; TOPMed 0.00008; gnomAD 0.00009; gnomAD exomes 0.00009; ESP Exome Variant Server 0.00015; 1000 Genomes Project 30x 0.00016; 1000 Genomes Project 0.00020.
gnomAD v4.1: 166 of 1,608,492 alleles (0.01%); highest among the groups gnomAD compares: Admixed American, 0.015%; no homozygotes.

Submissions (3):

Labcorp Genetics (formerly Invitae), Labcorp
Classification: Uncertain significance. Last evaluated: 2024-10-24. Review status: criteria provided, single submitter. Criteria: Invitae Variant Classification Sherloc (09022015). Collection method: clinical testing. Allele origin: germline.
Comment: This sequence change replaces valine, which is neutral and non-polar, with methionine, which is neutral and non-polar, at codon 348 of the TCIRG1 protein (p.Val348Met). This variant is present in population databases (rs146023337, gnomAD 0.02%). This variant has not been reported in the literature in individuals affected with TCIRG1-related conditions. ClinVar contains an entry for this variant (Variation ID: 305796). An algorithm developed to predict the effect of missense changes on protein structure and function (PolyPhen-2) suggests that this variant is likely to be disruptive. In summary, the available evidence is currently insufficient to determine the role of this variant in disease. Therefore, it has been classified as a Variant of Uncertain Significance.

Ambry Genetics
Classification: Uncertain significance for Inborn genetic diseases. Last evaluated: 2022-05-25. Review status: criteria provided, single submitter. Criteria: Ambry Variant Classification Scheme 2023. Collection method: clinical testing. Allele origin: germline.

Illumina Laboratory Services, Illumina
Classification: Uncertain significance for Autosomal recessive osteopetrosis 1. Last evaluated: 2018-01-13. Review status: criteria provided, single submitter. Criteria: ICSL Variant Classification Criteria 13 December 2019. Collection method: clinical testing. Allele origin: germline.

NM_006019.4(TCIRG1):c.1042G>A (p.Val348Met)

Gene: TCIRG1 (T cell immune regulator 1, ATPase H+ transporting V0 subunit a3; plus strand). Cytogenetic location: 11q13.2.
Variant type: single nucleotide variant.
Coding change: c.1042G>A on transcript NM_006019.4 (MANE Select); coding-DNA position 1042, G replaced by A.
Protein change: p.Val348Met; replaces valine 348 with methionine.
Molecular consequence: missense variant.
Genome position (GRCh38, 1-based): chr11:68,044,979, G>A. VCF-style: chr11-68044979-G-A. GRCh37 (hg19) VCF-style: chr11-67812446-G-A.
Other names: c.148G>A, p.Val50Met (NM_001351059.2); c.394G>A, p.Val132Met (NM_006053.4); short protein forms V348M, V132M, V50M.
Identifiers: ClinVar variation 305796 (VCV000305796.9), dbSNP rs146023337, ClinGen allele CA6146924.